The following is an entry in ClinVar:

ClinVar aggregate classification (germline): Uncertain significance (1 of 4 stars; one submission).

Allele frequency attached by ClinVar (database versions not stated): gnomAD 0.00001; gnomAD exomes 0.00001; TOPMed 0.00001.
gnomAD v4.1: 10 of 1,613,118 alleles (0.00062%); highest among the groups gnomAD compares: South Asian, 0.0022%; no homozygotes.

Submission:

Labcorp Genetics (formerly Invitae), Labcorp
Classification: Uncertain significance. Last evaluated: 2022-11-23. Review status: criteria provided, single submitter. Criteria: Invitae Variant Classification Sherloc (09022015). Collection method: clinical testing. Allele origin: germline.
Comment: In summary, the available evidence is currently insufficient to determine the role of this variant in disease. Therefore, it has been classified as a Variant of Uncertain Significance. Variants that disrupt the consensus splice site are a relatively common cause of aberrant splicing (PMID: 17576681, 9536098). Algorithms developed to predict the effect of sequence changes on RNA splicing suggest that this variant is not likely to affect RNA splicing. This variant has not been reported in the literature in individuals affected with DIP2C-related conditions. This variant is present in population databases (no rsID available, gnomAD 0.007%). This sequence change falls in intron 22 of the DIP2C gene. It does not directly change the encoded amino acid sequence of the DIP2C protein. It affects a nucleotide within the consensus splice site.

Literature cited by the submitters: PubMed 17576681; PubMed 9536098.

NM_014974.3(DIP2C):c.2794+4T>C

Gene: DIP2C (DIP2 acetate--CoA ligase C (putative); minus strand). Cytogenetic location: 10p15.3.
Variant type: single nucleotide variant.
Coding change: c.2794+4T>C on transcript NM_014974.3 (MANE Select); 4 bases into the intron after coding-DNA position 2794, T replaced by C.
Molecular consequence: intron variant.
Genome position (GRCh38, 1-based): chr10:362,486, A>G on the plus strand (T>C on the coding strand, the complement: DIP2C is on the minus strand). VCF-style: chr10-362486-A-G. GRCh37 (hg19) VCF-style: chr10-408426-A-G.
Identifiers: ClinVar variation 2872148 (VCV002872148.3), dbSNP rs1018091058, ClinGen allele CA201931779.